The following is an entry in ClinVar:

ClinVar aggregate classification (germline): Uncertain significance (1 of 4 stars; one submission).

Conditions:
Tuberous sclerosis 2 (TSC2). Identifiers: Orphanet 805, MedGen C1860707, MONDO:0013199, OMIM 613254.

Submission:

Labcorp Genetics (formerly Invitae), Labcorp
Classification: Uncertain significance for Tuberous sclerosis 2. Last evaluated: 2021-12-15. Review status: criteria provided, single submitter. Criteria: Invitae Variant Classification Sherloc (09022015). Collection method: clinical testing. Allele origin: germline.
Comment: In summary, the available evidence is currently insufficient to determine the role of this variant in disease. Therefore, it has been classified as a Variant of Uncertain Significance. Advanced modeling of protein sequence and biophysical properties (such as structural, functional, and spatial information, amino acid conservation, physicochemical variation, residue mobility, and thermodynamic stability) performed at Invitae indicates that this missense variant is not expected to disrupt TSC2 protein function. This variant has not been reported in the literature in individuals affected with TSC2-related conditions. This variant is not present in population databases (gnomAD no frequency). This sequence change replaces glutamic acid, which is acidic and polar, with glycine, which is neutral and non-polar, at codon 748 of the TSC2 protein (p.Glu748Gly).

NM_000548.5(TSC2):c.2243A>G (p.Glu748Gly)

Gene: TSC2 (TSC complex subunit 2; plus strand). Cytogenetic location: 16p13.3.
Variant type: single nucleotide variant.
Coding change: c.2243A>G on transcript NM_000548.5 (MANE Select); coding-DNA position 2243, A replaced by G.
Protein change: p.Glu748Gly; replaces glutamic acid 748 with glycine.
Molecular consequence: missense variant.
Genome position (GRCh38, 1-based): chr16:2,072,871, A>G. VCF-style: chr16-2072871-A-G. GRCh37 (hg19) VCF-style: chr16-2122872-A-G.
Other names: c.2243A>G, p.Glu748Gly (NM_001370404.1, NM_001370405.1, NM_001406663.1 and 6 more transcripts); c.2333A>G, p.Glu778Gly (NM_001406667.1, NM_001406668.1); c.2132A>G, p.Glu711Gly (NM_001406670.1, NM_001318827.2, NM_001406678.1); c.2231A>G, p.Glu744Gly (NM_001406671.1, NM_001406673.1); c.1643A>G, p.Glu548Gly (NM_001406684.1, NM_001406685.1, NM_001406686.1 and 6 more transcripts); c.899A>G, p.Glu300Gly (NM_001406689.1, NM_001406690.1, NM_001406691.1 and 6 more transcripts); c.2096A>G, p.Glu699Gly (NM_001318829.2, NM_001406675.1, NM_001406676.1 and 1 more transcripts); c.2276A>G, p.Glu759Gly (NM_001318832.2); and 3 more; short protein forms E214G, E729G, E778G, E548G, E594G, E300G, E744G, E748G.
Identifiers: ClinVar variation 2043481 (VCV002043481.4), dbSNP rs2543762277, ClinGen allele CA394276302.
Genomic context (GRCh38, chr16:2,072,871, plus strand): 5'-CGCTGGGGAGAGGTTTCATGCCTGGATTTGGTCATCAGCTTTCAGGCCCAAAGACACTGG[A>G]GCGGCTCCGAGGCGCCCCAGAAGGCTTCTCCAGAACTGACTTGCACCTGGCCGTGGTTCC-3'
Protein context (NP_000539.2, residues 738-758): CSMLSGPKTL[Glu748Gly]RLRGAPEGFS